The following is an entry in ClinVar:

ClinVar aggregate classification (germline): Uncertain significance (1 of 4 stars; one submission).

gnomAD v4.1: 4 of 1,613,326 alleles (0.00025%); highest among the groups gnomAD compares: South Asian, 0.0011%; no homozygotes.

Submission:

Labcorp Genetics (formerly Invitae), Labcorp
Classification: Uncertain significance. Last evaluated: 2025-02-15. Review status: criteria provided, single submitter. Criteria: Invitae Variant Classification Sherloc (09022015). Collection method: clinical testing. Allele origin: germline.
Comment: This sequence change replaces valine, which is neutral and non-polar, with methionine, which is neutral and non-polar, at codon 618 of the NEDD4L protein (p.Val618Met). This variant is present in population databases (rs201102807, gnomAD 0.0009%). This variant has not been reported in the literature in individuals affected with NEDD4L-related conditions. Invitae Evidence Modeling of protein sequence and biophysical properties (such as structural, functional, and spatial information, amino acid conservation, physicochemical variation, residue mobility, and thermodynamic stability) indicates that this missense variant is not expected to disrupt NEDD4L protein function with a negative predictive value of 80%. In summary, the available evidence is currently insufficient to determine the role of this variant in disease. Therefore, it has been classified as a Variant of Uncertain Significance.

NM_001144967.3(NEDD4L):c.1912G>A (p.Val638Met)

Gene: NEDD4L (NEDD4 like E3 ubiquitin protein ligase; plus strand). Cytogenetic location: 18q21.31.
Variant type: single nucleotide variant.
Coding change: c.1912G>A on transcript NM_001144967.3 (MANE Select); coding-DNA position 1912, G replaced by A.
Protein change: p.Val638Met; replaces valine 638 with methionine.
Molecular consequence: missense variant.
Genome position (GRCh38, 1-based): chr18:58,366,077, G>A. VCF-style: chr18-58366077-G-A. GRCh37 (hg19) VCF-style: chr18-56033309-G-A.
Other names: c.1549G>A, p.Val517Met (NM_001144964.1, NM_001144965.2, NM_001144966.3); c.1888G>A, p.Val630Met (NM_001144968.2); c.1828G>A, p.Val610Met (NM_001144969.2); c.1489G>A, p.Val497Met (NM_001144970.3, NM_001144971.2); c.1720G>A, p.Val574Met (NM_001243960.2); c.1852G>A, p.Val618Met (NM_015277.6); short protein forms V630M, V574M, V638M, V517M, V610M, V497M, V618M.
Identifiers: ClinVar variation 3635038 (VCV003635038.2).